The following is an entry in ClinVar:

ClinVar aggregate classification (germline): Pathogenic (1 of 4 stars; one submission).

Submission:

Labcorp Genetics (formerly Invitae), Labcorp
Classification: Pathogenic. Last evaluated: 2022-06-01. Review status: criteria provided, single submitter. Criteria: Invitae Variant Classification Sherloc (09022015). Collection method: clinical testing. Allele origin: germline.
Comment: This sequence change creates a premature translational stop signal (p.Arg193*) in the SRCAP gene. It is expected to result in an absent or disrupted protein product. Loss-of-function variants in SRCAP are known to be pathogenic (PMID: 33909990). This variant is not present in population databases (gnomAD no frequency). For these reasons, this variant has been classified as Pathogenic. This variant has not been reported in the literature in individuals affected with SRCAP-related conditions.

Literature cited by the submitters: PubMed 33909990.

NM_006662.3(SRCAP):c.577C>T (p.Arg193Ter)

Gene: SRCAP (Snf2 related CREBBP activator protein; plus strand). Cytogenetic location: 16p11.2.
Variant type: single nucleotide variant.
Coding change: c.577C>T on transcript NM_006662.3 (MANE Select); coding-DNA position 577, C replaced by T.
Protein change: p.Arg193Ter; replaces arginine 193 with a stop codon.
Molecular consequence: nonsense.
Genome position (GRCh38, 1-based): chr16:30,707,656, C>T. VCF-style: chr16-30707656-C-T. GRCh37 (hg19) VCF-style: chr16-30718977-C-T.
Other names: short protein forms R193*.
Identifiers: ClinVar variation 2099559 (VCV002099559.4), dbSNP rs2506610770, ClinGen allele CA395599923.
Genomic context (GRCh38, chr16:30,707,656, plus strand): 5'-CACGAGGAGCAGCGGCAGAAAGAGGAACGGGCCCGGAGGGAGGAGCAGGCCAAGCTGCGT[C>T]GAATTGCTTCCACCATGGCCAAGGATGTCAGGCAGTTCTGGAGCAATGTGGAGAAGGTAG-3'